The following is an entry in ClinVar:

ClinVar aggregate classification (germline): Likely benign. Review status: criteria provided, multiple submitters, no conflicts (2 of 4 stars). 3 submissions from 3 submitters: Likely benign (2). 1 of the submissions does not count toward it. Last evaluated 2025-12-30.

Conditions:
SNRNP200-related disorder. Also called: SNRNP200-related condition.

Allele frequency attached by ClinVar (database versions not stated): gnomAD 0.00002 and 0.00003; TOPMed 0.00004; 1000 Genomes Project 30x 0.00016; 1000 Genomes Project 0.00020.
gnomAD v4.1: 40 of 1,614,162 alleles (0.0025%); highest among the groups gnomAD compares: Admixed American, 0.042%; no homozygotes.

Submissions (3):

Labcorp Genetics (formerly Invitae), Labcorp
Classification: Likely benign. Last evaluated: 2025-12-30. Review status: criteria provided, single submitter. Criteria: Invitae Variant Classification Sherloc (09022015). Collection method: clinical testing. Allele origin: germline.

Blueprint Genetics
Classification: Likely benign. Last evaluated: 2023-02-14. Review status: criteria provided, single submitter. Criteria: ACMG Guidelines, 2015. Collection method: clinical testing. Allele origin: germline.

PreventionGenetics, part of Exact Sciences
Classification: Likely benign for SNRNP200-related condition. Last evaluated: 2020-03-26. Review status: no assertion criteria provided. Collection method: clinical testing. Allele origin: germline. Not counted in ClinVar's aggregate classification.
Comment: This variant is classified as likely benign based on ACMG/AMP sequence variant interpretation guidelines (Richards et al. 2015 PMID: 25741868, with internal and published modifications).

NM_014014.5(SNRNP200):c.5661G>A (p.Pro1887=)

Gene: SNRNP200 (small nuclear ribonucleoprotein U5 subunit 200; minus strand). Cytogenetic location: 2q11.2.
Variant type: single nucleotide variant.
Coding change: c.5661G>A on transcript NM_014014.5 (MANE Select); coding-DNA position 5661, G replaced by A.
Protein change: p.Pro1887=; no amino-acid change (proline 1887 retained).
Molecular consequence: synonymous variant.
Genome position (GRCh38, 1-based): chr2:96,277,900, C>T on the plus strand (G>A on the coding strand, the complement: SNRNP200 is on the minus strand). VCF-style: chr2-96277900-C-T. GRCh37 (hg19) VCF-style: chr2-96943638-C-T.
Other names: c.5661G>A (NM_014014.4).
Identifiers: ClinVar variation 1095051 (VCV001095051.12), dbSNP rs191125461, ClinGen allele CA1777914.